The following is an entry in ClinVar:

ClinVar aggregate classification (germline): Likely pathogenic (1 of 4 stars; one submission).

gnomAD v4.1: 17 of 1,601,680 alleles (0.0011%); highest among the groups gnomAD compares: Non-Finnish European, 0.0013%; no homozygotes.

Submission:

Labcorp Genetics (formerly Invitae), Labcorp
Classification: Likely pathogenic. Last evaluated: 2022-07-27. Review status: criteria provided, single submitter. Criteria: Invitae Variant Classification Sherloc (09022015). Collection method: clinical testing. Allele origin: germline.
Comment: This variant is not present in population databases (gnomAD no frequency). This sequence change affects a donor splice site in intron 3 of the KIF1BP gene. It is expected to disrupt RNA splicing. Variants that disrupt the donor or acceptor splice site typically lead to a loss of protein function (PMID: 16199547), and loss-of-function variants in KIF1BP are known to be pathogenic (PMID: 15883926, 23427148). This variant has not been reported in the literature in individuals affected with KIF1BP-related conditions. In summary, the currently available evidence indicates that the variant is pathogenic, but additional data are needed to prove that conclusively. Therefore, this variant has been classified as Likely Pathogenic. Algorithms developed to predict the effect of sequence changes on RNA splicing suggest that this variant may disrupt the consensus splice site.

Literature cited by the submitters: PubMed 16199547; PubMed 15883926; PubMed 23427148.

NM_015634.4(KIFBP):c.605+1G>A

Gene: KIFBP (kinesin family binding protein; plus strand). Cytogenetic location: 10q22.1.
Variant type: single nucleotide variant.
Coding change: c.605+1G>A on transcript NM_015634.4 (MANE Select); the canonical splice donor site of the intron after coding-DNA position 605, G replaced by A.
Molecular consequence: splice donor variant.
Genome position (GRCh38, 1-based): chr10:69,005,126, G>A. VCF-style: chr10-69005126-G-A. GRCh37 (hg19) VCF-style: chr10-70764882-G-A.
Identifiers: ClinVar variation 1928542 (VCV001928542.5), dbSNP rs755318029, ClinGen allele CA209205910.